The following is an entry in ClinVar:

ClinVar aggregate classification (germline): Uncertain significance (1 of 4 stars; one submission).

Conditions:
Hypertrophic cardiomyopathy. Also called: HYPERTROPHIC MYOCARDIOPATHY. Identifiers: Orphanet 217569, MedGen C0007194, MeSH D002312, MONDO:0005045, HP:0001639.

Submission:

Labcorp Genetics (formerly Invitae), Labcorp
Classification: Uncertain significance for Hypertrophic cardiomyopathy. Last evaluated: 2022-07-04. Review status: criteria provided, single submitter. Criteria: Invitae Variant Classification Sherloc (09022015). Collection method: clinical testing. Allele origin: germline.
Comment: In summary, the available evidence is currently insufficient to determine the role of this variant in disease. Therefore, it has been classified as a Variant of Uncertain Significance. Algorithms developed to predict the effect of missense changes on protein structure and function (SIFT, PolyPhen-2, Align-GVGD) all suggest that this variant is likely to be disruptive. This variant has not been reported in the literature in individuals affected with MYBPC3-related conditions. This variant is present in population databases (no rsID available, gnomAD 0.0009%). This sequence change replaces glycine, which is neutral and non-polar, with valine, which is neutral and non-polar, at codon 341 of the MYBPC3 protein (p.Gly341Val).

NM_000256.3(MYBPC3):c.1022G>T (p.Gly341Val)

Gene: MYBPC3 (myosin binding protein C3; minus strand). Cytogenetic location: 11p11.2.
Variant type: single nucleotide variant.
Coding change: c.1022G>T on transcript NM_000256.3 (MANE Select); coding-DNA position 1022, G replaced by T.
Protein change: p.Gly341Val; replaces glycine 341 with valine.
Molecular consequence: missense variant.
Genome position (GRCh38, 1-based): chr11:47,346,275, C>A on the plus strand (G>T on the coding strand, the complement: MYBPC3 is on the minus strand). VCF-style: chr11-47346275-C-A. GRCh37 (hg19) VCF-style: chr11-47367826-C-A.
Other names: short protein forms G341V.
Identifiers: ClinVar variation 2013893 (VCV002013893.4), dbSNP rs1339369055, ClinGen allele CA380331320.